The following is an entry in ClinVar:

NM_001110556.2(FLNA):c.2057G>T (p.Gly686Val)

Gene: FLNA (filamin A; minus strand). Cytogenetic location: Xq28.
Variant type: single nucleotide variant.
Coding change: c.2057G>T on transcript NM_001110556.2 (MANE Select); coding-DNA position 2057, G replaced by T.
Protein change: p.Gly686Val; replaces glycine 686 with valine.
Molecular consequence: missense variant.
Genome position (GRCh38, 1-based): chrX:154,364,338, C>A on the plus strand (G>T on the coding strand, the complement: FLNA is on the minus strand). VCF-style: chrX-154364338-C-A. GRCh37 (hg19) VCF-style: chrX-153592706-C-A.
Other names: c.2057G>T (NM_001456.3); c.2057G>T, p.Gly686Val (NM_001456.4); short protein forms G686V.
Identifiers: ClinVar variation 3754009 (VCV003754009.3).

ClinVar aggregate classification (germline): Uncertain significance. Review status: criteria provided, multiple submitters, no conflicts (2 of 4 stars). 2 submissions from 2 submitters: Uncertain significance (2). Last evaluated 2026-08-19.

Conditions:
Familial thoracic aortic aneurysm and aortic dissection (TAAD). Also called: Thoracic aortic aneurysms and dissections. Identifiers: Orphanet 91387, MedGen C4707243, MONDO:0019625.
Oto-palato-digital syndrome, type II (OPD2). Also called: Otopalatodigital Syndrome Type 2 (FLNA-OPD2); Otopalatodigital Syndrome, Type II; FACIOPALATOOSSEOUS SYNDROME; OPD II SYNDROME. Identifiers: Orphanet 669, Orphanet 90652, MedGen C1844696, MONDO:0010571, OMIM 304120.
Heterotopia, periventricular, X-linked dominant (PVNH1). Also called: PERIVENTRICULAR NODULAR HETEROTOPIA 4; HETEROTOPIA, PERIVENTRICULAR, 1; PERIVENTRICULAR NODULAR HETEROTOPIA 1; X-linked periventricular heterotopia. Identifiers: Orphanet 2149, Orphanet 82004, MedGen C1848213, MONDO:0010233, OMIM 300049.
Frontometaphyseal dysplasia (FMD1). Identifiers: Orphanet 1826, MedGen C0265293, MONDO:0015942.
Melnick-Needles syndrome (MNS). Also called: Melnick-Needles Syndrome (FLNA-MNS); MELNICK-NEEDLES OSTEODYSPLASTY; OSTEODYSPLASTY OF MELNICK AND NEEDLES. Identifiers: Orphanet 2484, MedGen C0025237, MONDO:0010650, OMIM 309350.

Submissions (2):

Ambry Genetics
Classification: Uncertain significance for Familial thoracic aortic aneurysm and aortic dissection. Last evaluated: 2026-08-19. Review status: criteria provided, single submitter. Criteria: Ambry Variant Classification Scheme 2023. Collection method: clinical testing. Allele origin: germline.
Comment: The p.G686V variant (also known as c.2057G>T), located in coding exon 13 of the FLNA gene, results from a G to T substitution at nucleotide position 2057. The glycine at codon 686 is replaced by valine, an amino acid with dissimilar properties. This amino acid position is conserved. In addition, this alteration is predicted to be deleterious by in silico analysis. Based on the available evidence, the clinical significance of this variant remains unclear.

Labcorp Genetics (formerly Invitae), Labcorp
Classification: Uncertain significance for Oto-palato-digital syndrome, type II; Heterotopia, periventricular, X-linked dominant; Frontometaphyseal dysplasia; Melnick-Needles syndrome. Last evaluated: 2024-10-23. Review status: criteria provided, single submitter. Criteria: Invitae Variant Classification Sherloc (09022015). Collection method: clinical testing. Allele origin: germline.
Comment: This sequence change replaces glycine, which is neutral and non-polar, with valine, which is neutral and non-polar, at codon 686 of the FLNA protein (p.Gly686Val). This variant is not present in population databases (gnomAD no frequency). This variant has not been reported in the literature in individuals affected with FLNA-related conditions. Invitae Evidence Modeling of protein sequence and biophysical properties (such as structural, functional, and spatial information, amino acid conservation, physicochemical variation, residue mobility, and thermodynamic stability) indicates that this missense variant is not expected to disrupt FLNA protein function with a negative predictive value of 95%. In summary, the available evidence is currently insufficient to determine the role of this variant in disease. Therefore, it has been classified as a Variant of Uncertain Significance.